The following is an entry in ClinVar:

NC_000016.9:g.(?_57015050)_(57017578_?)del

Gene: CETP (cholesteryl ester transfer protein; plus strand). Cytogenetic location: 16q13.
Variant type: Deletion.
Identifiers: ClinVar variation 3243575 (VCV003243575.1).

ClinVar aggregate classification (germline): Uncertain significance (1 of 4 stars; one submission).

Submission:

Labcorp Genetics (formerly Invitae), Labcorp
Classification: Uncertain significance. Last evaluated: 2022-12-26. Review status: criteria provided, single submitter. Criteria: Invitae Variant Classification Sherloc (09022015). Collection method: clinical testing. Allele origin: unknown.
Comment: Experimental studies and prediction algorithms are not available or were not evaluated, and the functional significance of this variant is currently unknown. This variant has not been reported in the literature in individuals affected with CETP-related conditions. This variant is a gross deletion of the genomic region encompassing exon(s) 12-16 of the CETP gene, which includes the termination codon. This deletion extends beyond the assayed region for this gene and therefore may encompass additional genes. While this deletion is not anticipated to lead to nonsense mediated decay, it is expected to alter mRNA translation or result in a truncated protein product. In summary, the available evidence is currently insufficient to determine the role of this variant in disease. Therefore, it has been classified as a Variant of Uncertain Significance.